The following is an entry in ClinVar:

NM_006005.3(WFS1):c.1877C>T (p.Ser626Phe)

Gene: WFS1 (wolframin ER transmembrane glycoprotein; plus strand). Cytogenetic location: 4p16.1.
Variant type: single nucleotide variant.
Coding change: c.1877C>T on transcript NM_006005.3 (MANE Select); coding-DNA position 1877, C replaced by T.
Protein change: p.Ser626Phe; replaces serine 626 with phenylalanine.
Molecular consequence: missense variant.
Genome position (GRCh38, 1-based): chr4:6,301,672, C>T. VCF-style: chr4-6301672-C-T. GRCh37 (hg19) VCF-style: chr4-6303399-C-T.
Other names: c.1877C>T, p.Ser626Phe (NM_001145853.1); short protein forms S626F.
Identifiers: ClinVar variation 2438603 (VCV002438603.6), dbSNP rs769320560, ClinGen allele CA2839530.
Genomic context (GRCh38, chr4:6,301,672, plus strand): 5'-TGCCCCTGCTGTTGCGCTGGTGGACCAAGGCCAGCTTCTCTGTGGTGGGGATGGTGAAGT[C>T]CCTGACGCGGAGCTCCATGGTCAAGCTCATCCTGGTGTGGCTCACGGCCATCGTGCTGTT-3'
Protein context (NP_005996.2, residues 616-636): ASFSVVGMVK[Ser626Phe]LTRSSMVKLI

ClinVar aggregate classification (germline): Uncertain significance. Review status: criteria provided, multiple submitters, no conflicts (2 of 4 stars). 2 submissions from 2 submitters: Uncertain significance (2). Last evaluated 2023-01-09.

Allele frequency attached by ClinVar (database versions not stated): gnomAD exomes below 0.00001; ExAC 0.00001; gnomAD 0.00001; 1000 Genomes Project 30x 0.00016.
gnomAD v4.1: 7 of 1,614,084 alleles (0.00043%); highest among the groups gnomAD compares: South Asian, 0.0077%; no homozygotes.

Submissions (2):

Labcorp Genetics (formerly Invitae), Labcorp
Classification: Uncertain significance. Last evaluated: 2023-01-09. Review status: criteria provided, single submitter. Criteria: Invitae Variant Classification Sherloc (09022015). Collection method: clinical testing. Allele origin: germline.
Comment: In summary, the available evidence is currently insufficient to determine the role of this variant in disease. Therefore, it has been classified as a Variant of Uncertain Significance. Advanced modeling of protein sequence and biophysical properties (such as structural, functional, and spatial information, amino acid conservation, physicochemical variation, residue mobility, and thermodynamic stability) has been performed at Invitae for this missense variant, however the output from this modeling did not meet the statistical confidence thresholds required to predict the impact of this variant on WFS1 protein function. This variant has not been reported in the literature in individuals affected with WFS1-related conditions. This variant is present in population databases (rs769320560, gnomAD 0.01%). This sequence change replaces serine, which is neutral and polar, with phenylalanine, which is neutral and non-polar, at codon 626 of the WFS1 protein (p.Ser626Phe).

Revvity Omics, Revvity
Classification: Uncertain significance. Last evaluated: 2021-08-20. Review status: criteria provided, single submitter. Criteria: ACMG Guidelines, 2015. Collection method: clinical testing. Allele origin: germline.